The following is an entry in ClinVar:

ClinVar aggregate classification (germline): Uncertain significance (1 of 4 stars; one submission).

Conditions:
Early-infantile DEE. Also called: Early infantile epileptic encephalopathy; Ohtahara syndrome; Early infantile epileptic encephalopathy with suppression bursts. Identifiers: Orphanet 1934, MedGen C0393706, MONDO:0800491.

Submission:

Labcorp Genetics (formerly Invitae), Labcorp
Classification: Uncertain significance for Early-infantile DEE. Last evaluated: 2025-11-09. Review status: criteria provided, single submitter. Criteria: Invitae Variant Classification Sherloc (09022015). Collection method: clinical testing. Allele origin: germline.
Comment: This sequence change falls in intron 1 of the KCNQ2 gene. It does not directly change the encoded amino acid sequence of the KCNQ2 protein. This variant is not present in population databases (gnomAD no frequency). This variant has not been reported in the literature in individuals affected with KCNQ2-related conditions. Experimental studies and prediction algorithms are not available or were not evaluated, and the effect of this variant on mRNA splicing is currently unknown. In summary, the available evidence is currently insufficient to determine the role of this variant in disease. Therefore, it has been classified as a Variant of Uncertain Significance.

NM_172107.4(KCNQ2):c.297-26_297-12del

Gene: KCNQ2 (potassium voltage-gated channel subfamily Q member 2; minus strand). Cytogenetic location: 20q13.33.
Variant type: Deletion.
Coding change: c.297-26_297-12del on transcript NM_172107.4 (MANE Select); 26 bases into the intron before coding-DNA position 297 through 12 bases into the intron before coding-DNA position 297, 15 bases deleted (TGAGAGCGCGCGTTC).
Molecular consequence: intron variant.
Genome position (GRCh38, 1-based): chr20:63,446,849-63,446,863, GAACGCGCGCTCTCA deleted on the plus strand (TGAGAGCGCGCGTTC on the coding strand, the reverse complement: KCNQ2 is on the minus strand); deleting any 15 consecutive bases within chr20:63,446,849-63,446,865 gives the same sequence; the c. name uses the placement nearest the transcript's 3' end. VCF-style (leftmost placement, unchanged base first): chr20-63446848-GGAACGCGCGCTCTCA-G. GRCh37 (hg19) VCF-style: chr20-62078201-GGAACGCGCGCTCTCA-G.
Other names: c.297-26_297-12del (NM_001439004.1, NM_004518.6, NM_172108.5 and 4 more transcripts).
Identifiers: ClinVar variation 4762713 (VCV004762713.1).